The following is an entry in ClinVar:

NM_000946.3(PRIM1):c.432_433del (p.Arg144fs)

Gene: PRIM1 (DNA primase subunit 1; minus strand). Cytogenetic location: 12q13.3.
Variant type: Microsatellite.
Coding change: c.432_433del on transcript NM_000946.3 (MANE Select); coding-DNA positions 432 to 433, 2 bases deleted (AG; older notation c.432_433delAG).
Protein change: p.Arg144fs; shifts the reading frame from arginine 144.
Molecular consequence: frameshift variant.
Genome position (GRCh38, 1-based): chr12:56,746,790-56,746,791, CT deleted on the plus strand (AG on the coding strand, the reverse complement: PRIM1 is on the minus strand); deleting any 2 consecutive bases within chr12:56,746,790-56,746,793 gives the same sequence; the c. name uses the placement nearest the transcript's 3' end. VCF-style (leftmost placement, unchanged base first): chr12-56746789-GCT-G. GRCh37 (hg19) VCF-style: chr12-57140573-GCT-G.
Other names: short protein forms R144fs.
Identifiers: ClinVar variation 3765628 (VCV003765628.1).

ClinVar aggregate classification (germline): Uncertain significance (1 of 4 stars; one submission).

Submission:

Greenwood Genetic Center Diagnostic Laboratories, Greenwood Genetic Center
Classification: Uncertain significance. Last evaluated: 2024-09-03. Review status: criteria provided, single submitter. Criteria: ACMG Guidelines, 2015. Collection method: clinical testing. Allele origin: germline. Affected: yes.
Comment: PM2